The following is an entry in ClinVar:

ClinVar aggregate classification (germline): Conflicting classifications of pathogenicity. Review status: criteria provided, conflicting classifications (1 of 4 stars). 5 submissions from 5 submitters: Uncertain significance (3); Benign (1); Likely benign (1). Last evaluated 2026-05-28.

Conditions:
Macrothrombocytopenia and granulocyte inclusions with or without nephritis or sensorineural hearing loss (MATINS). Also called: BLEEDING DISORDER, PLATELET-TYPE, 6; SEBASTIAN PLATELET SYNDROME; MACROTHROMBOCYTOPENIA WITH DISPERSED LEUKOCYTIC INCLUSIONS; MACROTHROMBOCYTOPENIA, NEPHRITIS, AND DEAFNESS; MACROTHROMBOCYTOPENIA, NEPHRITIS, DEAFNESS, AND LEUKOCYTE INCLUSIONS; ALPORT SYNDROME WITH MACROTHROMBOCYTOPENIA. Identifiers: Orphanet 182050, MedGen C5200934, MONDO:0015912, OMIM 155100.
Autosomal dominant nonsyndromic hearing loss 17. Also called: Deafness, autosomal dominant 17; Autosomal dominant nonsyndromic deafness 17. Identifiers: Orphanet 90635, MedGen C1863659, MONDO:0011350, OMIM 603622.

Allele frequency attached by ClinVar (database versions not stated): gnomAD exomes 0.00006 and 0.00001; TOPMed 0.00019; ESP Exome Variant Server 0.00031; gnomAD 0.00024 and 0.00027; ExAC 0.00009.
gnomAD v4.1: 53 of 1,613,570 alleles (0.0033%); highest among the groups gnomAD compares: African/African-American, 0.059%; no homozygotes.

Submissions (5):

Women's Health and Genetics/Laboratory Corporation of America, LabCorp
Classification: Uncertain significance. Last evaluated: 2026-05-28. Review status: criteria provided, single submitter. Criteria: LabCorp Variant Classification Summary - May 2015. Collection method: clinical testing. Allele origin: germline.
Comment: Variant summary: MYH9 c.4664A>G (p.Lys1555Arg) results in a conservative amino acid change in the encoded protein sequence. Algorithms developed to predict the effect of missense changes on protein structure and function are either unavailable or do not agree on the potential impact of this missense change. The variant allele was found at a frequency of 6e-05 in 251288 control chromosomes. This frequency is not significantly higher than estimated for disease-causing variants in MYH9, allowing no conclusion about variant significance. To our knowledge, no occurrence of c.4664A>G in individuals affected with MYH9-related conditions and no experimental evidence demonstrating its impact on protein function have been reported. ClinVar contains an entry for this variant (Variation ID: 497444). Based on the evidence outlined above, the variant was classified as uncertain significance.

Mayo Clinic Laboratories, Mayo Clinic
Classification: Uncertain significance. Last evaluated: 2025-10-13. Review status: criteria provided, single submitter. Criteria: ACMG Guidelines, 2015. Collection method: clinical testing. Allele origin: germline. Observed: 1 variant allele.
Comment: BS1, PP2

Labcorp Genetics (formerly Invitae), Labcorp
Classification: Benign. Last evaluated: 2025-08-14. Review status: criteria provided, single submitter. Criteria: Invitae Variant Classification Sherloc (09022015). Collection method: clinical testing. Allele origin: germline.

Fulgent Genetics
Classification: Likely benign for Macrothrombocytopenia and granulocyte inclusions with or without nephritis or sensorineural hearing loss; Autosomal dominant nonsyndromic hearing loss 17. Last evaluated: 2024-04-23. Review status: criteria provided, single submitter. Criteria: ACMG Guidelines, 2015. Collection method: clinical testing. Allele origin: germline.

Eurofins Ntd Llc (ga)
Classification: Uncertain significance. Last evaluated: 2016-10-20. Review status: criteria provided, single submitter. Criteria: EGL Classification Definitions 2015. Collection method: clinical testing. Allele origin: germline. Observed: 1 variant allele, 1 heterozygote.

NM_002473.6(MYH9):c.4664A>G (p.Lys1555Arg)

Gene: MYH9 (myosin heavy chain 9; minus strand). Cytogenetic location: 22q12.3.
Variant type: single nucleotide variant.
Coding change: c.4664A>G on transcript NM_002473.6 (MANE Select); coding-DNA position 4664, A replaced by G.
Protein change: p.Lys1555Arg; replaces lysine 1555 with arginine.
Molecular consequence: missense variant.
Genome position (GRCh38, 1-based): chr22:36,288,833, T>C on the plus strand (A>G on the coding strand, the complement: MYH9 is on the minus strand). VCF-style: chr22-36288833-T-C. GRCh37 (hg19) VCF-style: chr22-36684879-T-C.
Other names: p.Lys1555Arg; c.4664A>G (NM_002473.5); short protein forms K1555R.
Identifiers: ClinVar variation 497444 (VCV000497444.10), dbSNP rs141543499, ClinGen allele CA10209317.